The following is an entry in ClinVar:

ClinVar aggregate classification (germline): Uncertain significance (1 of 4 stars; one submission).

Submission:

GeneDx
Classification: Uncertain significance. Last evaluated: 2023-04-10. Review status: criteria provided, single submitter. Criteria: GeneDx Variant Classification Process June 2021. Collection method: clinical testing. Allele origin: germline. Affected: yes.
Comment: Not observed at significant frequency in large population cohorts (gnomAD); In silico analysis supports that this missense variant does not alter protein structure/function; Has not been previously published as pathogenic or benign to our knowledge

NM_014991.6(WDFY3):c.2565G>A (p.Met855Ile)

Genes: WDFY3 (WD repeat and FYVE domain containing 3; minus strand), WDFY3-AS1 (WDFY3 antisense RNA 1; plus strand). Cytogenetic location: 4q21.23.
Variant type: single nucleotide variant.
Coding change: c.2565G>A on transcript NM_014991.6 (MANE Select); coding-DNA position 2565, G replaced by A.
Protein change: p.Met855Ile; replaces methionine 855 with isoleucine.
Molecular consequence: missense variant. On other transcripts: non-coding transcript variant (1).
Genome position (GRCh38, 1-based): chr4:84,803,332, C>T on the plus strand (G>A on the coding strand, the complement: WDFY3 is on the minus strand). VCF-style: chr4-84803332-C-T. GRCh37 (hg19) VCF-style: chr4-85724485-C-T.
Other names: short protein forms M855I.
Identifiers: ClinVar variation 3343000 (VCV003343000.1).